The following is an entry in ClinVar:

ClinVar aggregate classification (germline): Uncertain significance (1 of 4 stars; one submission).

gnomAD v4.1: 4 of 1,614,258 alleles (0.00025%); highest among the groups gnomAD compares: South Asian, 0.0033%; no homozygotes.

Submission:

Labcorp Genetics (formerly Invitae), Labcorp
Classification: Uncertain significance. Last evaluated: 2024-01-16. Review status: criteria provided, single submitter. Criteria: Invitae Variant Classification Sherloc (09022015). Collection method: clinical testing. Allele origin: germline.
Comment: This sequence change replaces isoleucine, which is neutral and non-polar, with methionine, which is neutral and non-polar, at codon 44 of the SCNN1G protein (p.Ile44Met). This variant is not present in population databases (gnomAD no frequency). This variant has not been reported in the literature in individuals affected with SCNN1G-related conditions. Advanced modeling of protein sequence and biophysical properties (such as structural, functional, and spatial information, amino acid conservation, physicochemical variation, residue mobility, and thermodynamic stability) performed at Invitae indicates that this missense variant is not expected to disrupt SCNN1G protein function with a negative predictive value of 80%. In summary, the available evidence is currently insufficient to determine the role of this variant in disease. Therefore, it has been classified as a Variant of Uncertain Significance.

NM_001039.4(SCNN1G):c.132C>G (p.Ile44Met)

Gene: SCNN1G (sodium channel epithelial 1 subunit gamma; plus strand). Cytogenetic location: 16p12.2.
Variant type: single nucleotide variant.
Coding change: c.132C>G on transcript NM_001039.4 (MANE Select); coding-DNA position 132, C replaced by G.
Protein change: p.Ile44Met; replaces isoleucine 44 with methionine.
Molecular consequence: missense variant.
Genome position (GRCh38, 1-based): chr16:23,186,403, C>G. VCF-style: chr16-23186403-C-G. GRCh37 (hg19) VCF-style: chr16-23197724-C-G.
Other names: short protein forms I44M.
Identifiers: ClinVar variation 2878213 (VCV002878213.3), dbSNP rs774767092, ClinGen allele CA395092769.